The following is an entry in ClinVar:

ClinVar aggregate classification (germline): Uncertain significance (1 of 4 stars; one submission).

Submission:

GeneDx
Classification: Uncertain significance. Last evaluated: 2024-05-02. Review status: criteria provided, single submitter. Criteria: GeneDx Variant Classification Process June 2021. Collection method: clinical testing. Allele origin: germline. Affected: yes.
Comment: Not observed at significant frequency in large population cohorts (gnomAD); In silico analysis supports that this missense variant has a deleterious effect on protein structure/function; Has not been previously published as pathogenic or benign to our knowledge

NM_130839.5(UBE3A):c.557A>T (p.Asp186Val)

Genes: SNHG14 (small nucleolar RNA host gene 14; plus strand), UBE3A (ubiquitin protein ligase E3A; minus strand). Cytogenetic location: 15q11.2.
Variant type: single nucleotide variant.
Coding change: c.557A>T on transcript NM_130839.5 (MANE Select); coding-DNA position 557, A replaced by T.
Protein change: p.Asp186Val; replaces aspartic acid 186 with valine.
Molecular consequence: missense variant. On other transcripts: non-coding transcript variant (1), intron variant (2).
Genome position (GRCh38, 1-based): chr15:25,371,617, T>A on the plus strand (A>T on the coding strand, the complement: UBE3A is on the minus strand). VCF-style: chr15-25371617-T-A. GRCh37 (hg19) VCF-style: chr15-25616764-T-A.
Other names: c.497A>T, p.Asp166Val (NM_001354511.2, NM_001354512.2, NM_001354513.2 and 17 more transcripts); c.557A>T, p.Asp186Val (NM_001354538.2, NM_001354505.1, NM_001354545.2); c.566A>T, p.Asp189Val (NM_000462.5); c.301+3848A>T (NM_001354551.2); c.361+3848A>T (NM_001354550.2); c.380A>T, p.Asp127Val (NM_001354546.2); short protein forms D127V, D166V, D186V, D189V.
Identifiers: ClinVar variation 3378125 (VCV003378125.1).
Genomic context (GRCh38, chr15:25,371,617, plus strand): 5'-GCTTCTGAGTCTTCTTCCATAGCAGCAGCAGAACATGCAGCTTTTTCCTTTTCATCTTCA[T>A]CTTTGTCTTCATCTTTTGCTTGAAGAGATTTCAGTTCTTCCTTGGTGTGTTGTTTAACTT-3'
Protein context (NP_570854.1, residues 176-196): KSLQAKDEDK[Asp186Val]EDEKEKAACS